The following is an entry in ClinVar:

ClinVar aggregate classification (germline): Uncertain significance (1 of 4 stars; one submission).

Conditions:
Polycystic kidney disease, adult type (PKD1). Also called: Polycystic Kidney Disease 1, Autosomal Dominant; Polycystic kidney disease 1; Polycystic kidney disease 1, severe; POLYCYSTIC KIDNEY DISEASE 1 WITH OR WITHOUT POLYCYSTIC LIVER DISEASE; POLYCYSTIC KIDNEY DISEASE, ADULT, TYPE I; Polycystic Kidney, Autosomal Dominant. Identifiers: MedGen C3149841, MONDO:0008263, OMIM 173900.

gnomAD v4.1: 32 of 1,609,470 alleles (0.002%); highest among the groups gnomAD compares: South Asian, 0.0044%; no homozygotes.

Submission:

Center for Human Genetics and Genomic Medicine, Uniklinik Rwth Aachen
Classification: Uncertain significance for Polycystic kidney disease, adult type. Last evaluated: 2026-03-25. Review status: criteria provided, single submitter. Criteria: ACMG Guidelines, 2015. Collection method: clinical testing. Allele origin: germline. Affected: yes.
Comment: unklare klinische Signifikanz (cool) PM2_Supporting, PP3

NM_001009944.3(PKD1):c.10924C>T (p.Arg3642Cys)

Genes: PKD1 (polycystin 1, transient receptor potential channel interacting; minus strand), PKD1-AS1 (PKD1 antisense RNA 1; plus strand). Cytogenetic location: 16p13.3.
Variant type: single nucleotide variant.
Coding change: c.10924C>T on transcript NM_001009944.3 (MANE Select); coding-DNA position 10924, C replaced by T.
Protein change: p.Arg3642Cys; replaces arginine 3642 with cysteine.
Molecular consequence: missense variant.
Genome position (GRCh38, 1-based): chr16:2,093,636, G>A on the plus strand (C>T on the coding strand, the complement: PKD1 is on the minus strand). VCF-style: chr16-2093636-G-A. GRCh37 (hg19) VCF-style: chr16-2143637-G-A.
Other names: c.10921C>T, p.Arg3641Cys (NM_000296.4); short protein forms R3641C, R3642C.
Identifiers: ClinVar variation 4813970 (VCV004813970.1).